The following is an entry in ClinVar:

ClinVar aggregate classification (germline): Uncertain significance (1 of 4 stars; one submission).

Conditions:
Hypertrophic cardiomyopathy 26. Also called: Cardiomyopathy, familial hypertrophic, 26. Identifiers: Orphanet 75249, MedGen C4310749, MONDO:0014883, OMIM 617047.
Myofibrillar myopathy 5. Also called: Filaminopathy (type); FILAMINOPATHY, AUTOSOMAL DOMINANT. Identifiers: Orphanet 171445, MedGen C1836050, MONDO:0012289, OMIM 609524.
Distal myopathy with posterior leg and anterior hand involvement. Also called: WILLIAMS DISTAL MYOPATHY. Identifiers: Orphanet 63273, MedGen C3279722, MONDO:0013550, OMIM 614065.

Submission:

Labcorp Genetics (formerly Invitae), Labcorp
Classification: Uncertain significance for Distal myopathy with posterior leg and anterior hand involvement; Myofibrillar myopathy 5; Hypertrophic cardiomyopathy 26. Last evaluated: 2024-08-21. Review status: criteria provided, single submitter. Criteria: Invitae Variant Classification Sherloc (09022015). Collection method: clinical testing. Allele origin: germline.
Comment: This sequence change replaces leucine, which is neutral and non-polar, with proline, which is neutral and non-polar, at codon 964 of the FLNC protein (p.Leu964Pro). This variant is not present in population databases (gnomAD no frequency). This missense change has been observed in individual(s) with unexplained cardiac arrest (PMID: 35352813). Invitae Evidence Modeling of protein sequence and biophysical properties (such as structural, functional, and spatial information, amino acid conservation, physicochemical variation, residue mobility, and thermodynamic stability) has been performed for this missense variant. However, the output from this modeling did not meet the statistical confidence thresholds required to predict the impact of this variant on FLNC protein function. In summary, the available evidence is currently insufficient to determine the role of this variant in disease. Therefore, it has been classified as a Variant of Uncertain Significance.

Literature cited by the submitters: PubMed 35352813.

NM_001458.5(FLNC):c.2891T>C (p.Leu964Pro)

Gene: FLNC (filamin C; plus strand). Cytogenetic location: 7q32.1.
Variant type: single nucleotide variant.
Coding change: c.2891T>C on transcript NM_001458.5 (MANE Select); coding-DNA position 2891, T replaced by C.
Protein change: p.Leu964Pro; replaces leucine 964 with proline.
Molecular consequence: missense variant.
Genome position (GRCh38, 1-based): chr7:128,843,875, T>C. VCF-style: chr7-128843875-T-C. GRCh37 (hg19) VCF-style: chr7-128483929-T-C.
Other names: c.2891T>C, p.Leu964Pro (NM_001127487.2); short protein forms L964P.
Identifiers: ClinVar variation 3763285 (VCV003763285.2).
Genomic context (GRCh38, chr7:128,843,875, plus strand): 5'-TGACTTATGGCGGGGACCCTGTCCCCAAGAGCCCCTTTGTGGTGAATGTGGCACCCCCGC[T>C]GGACCTCAGCAAAATCAAAGTTCAGGGCCTTAATAGCAGTAAGTGGGGCAAGAGCCACCC-3'
Protein context (NP_001449.3, residues 954-974): SPFVVNVAPP[Leu964Pro]DLSKIKVQGL